The following is an entry in ClinVar:

ClinVar aggregate classification (germline): Benign/Likely benign. Review status: criteria provided, multiple submitters, no conflicts (2 of 4 stars). 12 submissions from 12 submitters: Benign (7); Likely benign (1). 4 of the submissions do not count toward it. Last evaluated 2026-02-04.

Conditions:
Lysinuric protein intolerance (LPI). Identifiers: Orphanet 470, MedGen C0268647, MONDO:0009109, OMIM 222700.

Allele frequency attached by ClinVar (database versions not stated): gnomAD 0.53584 and 0.53238; gnomAD exomes 0.54062 and 0.56642; TOPMed 0.54142; ExAC 0.56034; 1000 Genomes Project 30x 0.57667; 1000 Genomes Project 0.58207; ESP Exome Variant Server 0.50739.
gnomAD v4.1: 870,807 of 1,611,934 alleles (54%); highest among the groups gnomAD compares: East Asian, 80%; 238,475 homozygotes.

Submissions (12):

Labcorp Genetics (formerly Invitae), Labcorp
Classification: Benign for Lysinuric protein intolerance. Last evaluated: 2026-02-04. Review status: criteria provided, single submitter. Criteria: Invitae Variant Classification Sherloc (09022015). Collection method: clinical testing. Allele origin: germline.

Blueprint Genetics
Classification: Likely benign. Last evaluated: 2024-11-27. Review status: criteria provided, single submitter. Criteria: ACMG Guidelines, 2015. Collection method: clinical testing. Allele origin: germline.

Unidad de Genómica Garrahan, Hospital de Pediatría Garrahan
Classification: Benign. Last evaluated: 2024-01-24. Review status: criteria provided, single submitter. Criteria: ACMG Guidelines, 2015. Collection method: clinical testing. Allele origin: germline. Affected: no. Observed: 80 variant alleles.
Comment: This variant is classified as Benign based on local population frequency. This variant was detected in 84% of patients studied by a panel of primary immunodeficiencies. Number of patients: 80. Only high quality variants are reported.

Mayo Clinic Laboratories, Mayo Clinic
Classification: Benign. Last evaluated: 2022-09-06. Review status: criteria provided, single submitter. Criteria: ACMG Guidelines, 2015. Collection method: clinical testing. Allele origin: germline. Observed: 769 variant alleles.

Genome-Nilou Lab
Classification: Benign for Lysinuric protein intolerance. Last evaluated: 2021-07-10. Review status: criteria provided, single submitter. Criteria: ACMG Guidelines, 2015. Collection method: clinical testing. Allele origin: germline. Affected: no.

Illumina Laboratory Services, Illumina
Classification: Benign for Lysinuric protein intolerance. Last evaluated: 2018-01-13. Review status: criteria provided, single submitter. Criteria: ICSL Variant Classification Criteria 13 December 2019. Collection method: clinical testing. Allele origin: germline.
Comment: This variant was observed in the ICSL laboratory as part of a predisposition screen in an ostensibly healthy population. It had not been previously curated by ICSL or reported in the Human Gene Mutation Database (HGMD: prior to June 1st, 2018), and was therefore a candidate for classification through an automated scoring system. Utilizing variant allele frequency, disease prevalence and penetrance estimates, and inheritance mode, an automated score was calculated to assess if this variant is too frequent to cause the disease. Based on the score and internal cut-off values, a variant classified as benign is not then subjected to further curation. The score for this variant resulted in a classification of benign for this disease.

GeneDx
Classification: Benign. Last evaluated: 2013-07-25. Review status: criteria provided, single submitter. Criteria: GeneDx Variant Classification (06012015). Collection method: clinical testing. Allele origin: germline. Affected: yes.
Comment: This variant is considered likely benign or benign based on one or more of the following criteria: it is a conservative change, it occurs at a poorly conserved position in the protein, it is predicted to be benign by multiple in silico algorithms, and/or has population frequency not consistent with disease.

Breakthrough Genomics
Classification: Benign. Review status: criteria provided, single submitter. Criteria: ACMG Guidelines, 2015. Collection method: not provided. Allele origin: germline. Inheritance: Autosomal recessive inheritance. Affected: yes.

Natera, Inc.
Classification: Benign for Lysinuric protein intolerance. Last evaluated: 2020-09-16. Review status: no assertion criteria provided. Collection method: clinical testing. Allele origin: germline. Not counted in ClinVar's aggregate classification.

Clinical Genetics, Academic Medical Center
Classification: Benign. Review status: no assertion criteria provided. Collection method: clinical testing. Allele origin: germline. Affected: yes. Study: VKGL Data-share Consensus. Not counted in ClinVar's aggregate classification.

Diagnostic Laboratory, Department of Genetics, University Medical Center Groningen
Classification: Benign. Review status: no assertion criteria provided. Collection method: clinical testing. Allele origin: germline. Affected: yes. Study: VKGL Data-share Consensus. Not counted in ClinVar's aggregate classification.

Joint Genome Diagnostic Labs from Nijmegen and Maastricht, Radboudumc and MUMC+
Classification: Benign. Review status: no assertion criteria provided. Collection method: clinical testing. Allele origin: germline. Affected: yes. Study: VKGL Data-share Consensus. Not counted in ClinVar's aggregate classification.

NM_003982.4(SLC7A7):c.498T>C (p.Ile166=)

Gene: SLC7A7 (solute carrier family 7 member 7; minus strand). Cytogenetic location: 14q11.2.
Variant type: single nucleotide variant.
Coding change: c.498T>C on transcript NM_003982.4 (MANE Select); coding-DNA position 498, T replaced by C.
Protein change: p.Ile166=; no amino-acid change (isoleucine 166 retained).
Molecular consequence: synonymous variant.
Genome position (GRCh38, 1-based): chr14:22,812,901, A>G on the plus strand (T>C on the coding strand, the complement: SLC7A7 is on the minus strand). VCF-style: chr14-22812901-A-G. GRCh37 (hg19) VCF-style: chr14-23282110-A-G.
Other names: p.I166I:ATT>ATC; p.Ile166=; c.498T>C, p.Ile166= (NM_001126105.3, NM_001126106.4).
Identifiers: ClinVar variation 139199 (VCV000139199.29), dbSNP rs8018462, ClinGen allele CA293606.